The following is an entry in ClinVar:

NM_152419.3(HGSNAT):c.63G>A (p.Ala21=)

Genes: HGSNAT (heparan-alpha-glucosaminide N-acetyltransferase; plus strand), LOC130000316 (ATAC-STARR-seq lymphoblastoid silent region 19164; plus strand). Cytogenetic location: 8p11.21.
Variant type: single nucleotide variant.
Coding change: c.63G>A on transcript NM_152419.3 (MANE Select); coding-DNA position 63, G replaced by A.
Protein change: p.Ala21=; no amino-acid change (alanine 21 retained).
Molecular consequence: synonymous variant. On other transcripts: 5 prime UTR variant (1).
Genome position (GRCh38, 1-based): chr8:43,140,559, G>A. VCF-style: chr8-43140559-G-A. GRCh37 (hg19) VCF-style: chr8-42995702-G-A.
Other names: p.Ala21=; c.63G>A, p.Ala21= (NM_001363227.2, NM_001363228.2); c.-771G>A (NM_001363229.2).
Identifiers: ClinVar variation 910429 (VCV000910429.17), dbSNP rs549139396, ClinGen allele CA4736409.
Genomic context (GRCh38, chr8:43,140,559, plus strand): 5'-GAGCGGGGCGGGCAGGGCGCTGGCCGCGCTGCTGCTGGCCGCGTCCGTGCTGAGCGCCGC[G>A]CTGCTGGCCCCCGGCGGCTCTTCGGGGCGCGATGCCCAGGCCGCGCCGCCACGAGGTGAG-3'
Protein context (NP_689632.2, residues 11-31): LLLAASVLSA[Ala21=]LLAPGGSSGR

ClinVar aggregate classification (germline): Benign/Likely benign. Review status: criteria provided, multiple submitters, no conflicts (2 of 4 stars). 5 submissions from 5 submitters: Benign (2); Likely benign (2). 1 of the submissions does not count toward it. Last evaluated 2026-01-26.

Conditions:
Mucopolysaccharidosis, MPS-III-C (MPS3C). Also called: mucopolysaccharidosis type 3C; MUCOPOLYSACCHARIDOSIS, TYPE IIIC; SANFILIPPO SYNDROME C; MPS III C; Mucopolysaccharidosis type IIIC (Sanfilippo C); MPS IIIC (Sanfilippo Syndrome Type C). Identifiers: Orphanet 581, Orphanet 79271, MedGen C0086649, MONDO:0009657, OMIM 252930.
Retinitis pigmentosa 73 (RP73). Identifiers: Orphanet 791, MedGen C4225287, MONDO:0014687, OMIM 616544.

Allele frequency attached by ClinVar (database versions not stated): gnomAD exomes 0.00217 and 0.00048; 1000 Genomes Project 30x 0.00609; ExAC 0.04717; gnomAD 0.00230 and 0.00256; 1000 Genomes Project 0.00599; TOPMed 0.00224.
gnomAD v4.1: 915 of 1,205,192 alleles (0.076%); highest among the groups gnomAD compares: South Asian, 1%; 12 homozygotes.

Submissions (5):

Labcorp Genetics (formerly Invitae), Labcorp
Classification: Benign for Retinitis pigmentosa 73; Mucopolysaccharidosis, MPS-III-C. Last evaluated: 2026-01-26. Review status: criteria provided, single submitter. Criteria: Invitae Variant Classification Sherloc (09022015). Collection method: clinical testing. Allele origin: germline.

Mayo Clinic Laboratories, Mayo Clinic
Classification: Likely benign. Last evaluated: 2025-05-07. Review status: criteria provided, single submitter. Criteria: ACMG Guidelines, 2015. Collection method: clinical testing. Allele origin: germline. Observed: 5 variant alleles.
Comment: BP4, BP7

Blueprint Genetics
Classification: Likely benign. Last evaluated: 2024-10-24. Review status: criteria provided, single submitter. Criteria: ACMG Guidelines, 2015. Collection method: clinical testing. Allele origin: germline.

Illumina Laboratory Services, Illumina
Classification: Benign for Mucopolysaccharidosis, MPS-III-C. Last evaluated: 2018-01-12. Review status: criteria provided, single submitter. Criteria: ICSL Variant Classification Criteria 13 December 2019. Collection method: clinical testing. Allele origin: germline.
Comment: This variant was observed in the ICSL laboratory as part of a predisposition screen in an ostensibly healthy population. It had not been previously curated by ICSL or reported in the Human Gene Mutation Database (HGMD: prior to June 1st, 2018), and was therefore a candidate for classification through an automated scoring system. Utilizing variant allele frequency, disease prevalence and penetrance estimates, and inheritance mode, an automated score was calculated to assess if this variant is too frequent to cause the disease. Based on the score and internal cut-off values, a variant classified as benign is not then subjected to further curation. The score for this variant resulted in a classification of benign for this disease.

Natera, Inc.
Classification: Likely benign for Mucopolysaccharidosis type IIIC. Last evaluated: 2019-10-24. Review status: no assertion criteria provided. Collection method: clinical testing. Allele origin: germline. Not counted in ClinVar's aggregate classification.